The following is an entry in ClinVar:

NM_017617.5(NOTCH1):c.5517C>A (p.Asp1839Glu)

Gene: NOTCH1 (notch receptor 1; minus strand). Cytogenetic location: 9q34.3.
Variant type: single nucleotide variant.
Coding change: c.5517C>A on transcript NM_017617.5 (MANE Select); coding-DNA position 5517, C replaced by A.
Protein change: p.Asp1839Glu; replaces aspartic acid 1839 with glutamic acid.
Molecular consequence: missense variant.
Genome position (GRCh38, 1-based): chr9:136,501,869, G>T on the plus strand (C>A on the coding strand, the complement: NOTCH1 is on the minus strand). VCF-style: chr9-136501869-G-T. GRCh37 (hg19) VCF-style: chr9-139396321-G-T.
Other names: short protein forms D1839E.
Identifiers: ClinVar variation 3880488 (VCV003880488.1).

ClinVar aggregate classification (germline): Uncertain significance (1 of 4 stars; one submission).

Conditions:
Familial thoracic aortic aneurysm and aortic dissection (TAAD). Also called: Thoracic aortic aneurysms and dissections. Identifiers: Orphanet 91387, MedGen C4707243, MONDO:0019625.

Submission:

Ambry Genetics
Classification: Uncertain significance for Familial thoracic aortic aneurysm and aortic dissection. Last evaluated: 2025-02-10. Review status: criteria provided, single submitter. Criteria: Ambry Variant Classification Scheme 2023. Collection method: clinical testing. Allele origin: germline.
Comment: The p.D1839E variant (also known as c.5517C>A), located in coding exon 30 of the NOTCH1 gene, results from a C to A substitution at nucleotide position 5517. The aspartic acid at codon 1839 is replaced by glutamic acid, an amino acid with highly similar properties. This amino acid position is conserved. In addition, the in silico prediction for this alteration is inconclusive. Based on the available evidence, the clinical significance of this variant remains unclear.